The following is an entry in ClinVar:

NC_000005.9:g.(?_94853020)_(94853820_?)del

Gene: SKIC3 (SKI3 subunit of superkiller complex; minus strand). Cytogenetic location: 5q15.
Variant type: Deletion.
Identifiers: ClinVar variation 2425961 (VCV002425961.4).

ClinVar aggregate classification (germline): Likely pathogenic (1 of 4 stars; one submission).

Submission:

Labcorp Genetics (formerly Invitae), Labcorp
Classification: Likely pathogenic. Last evaluated: 2021-12-05. Review status: criteria provided, single submitter. Criteria: Invitae Variant Classification Sherloc (09022015). Collection method: clinical testing. Allele origin: germline.
Comment: In summary, the currently available evidence indicates that the variant is pathogenic, but additional data are needed to prove that conclusively. Therefore, this variant has been classified as Likely Pathogenic. This variant has not been reported in the literature in individuals affected with TTC37-related conditions. This variant results in the deletion of part of exon 21 (c.2115-794_2121del) of the TTC37 gene. It is expected to disrupt RNA splicing. Variants that disrupt the donor or acceptor splice site typically lead to a loss of protein function (PMID: 16199547), and loss-of-function variants in TTC37 are known to be pathogenic (PMID: 20176027, 21120949).

Literature cited by the submitters: PubMed 16199547; PubMed 20176027; PubMed 21120949.